The following is an entry in ClinVar:

ClinVar aggregate classification (germline): Benign/Likely benign. Review status: criteria provided, multiple submitters, no conflicts (2 of 4 stars). 6 submissions from 6 submitters: Benign (2); Likely benign (3). 1 of the submissions does not count toward it. Last evaluated 2026-02-03.

Conditions:
Hereditary cancer-predisposing syndrome. Also called: Tumor predisposition; Hereditary neoplastic syndrome; Neoplastic Syndromes, Hereditary; Hereditary Cancer Syndrome. Identifiers: Orphanet 140162, MedGen C0027672, MeSH D009386, MONDO:0015356.
Familial adenomatous polyposis 1 (FAP1). Also called: FAMILIAL ADENOMATOUS POLYPOSIS 1, ATTENUATED; POLYPOSIS, ADENOMATOUS INTESTINAL. Identifiers: MedGen C2713442, MONDO:0021056, OMIM 175100. Disease mechanism: loss of function.

Allele frequency attached by ClinVar (database versions not stated): gnomAD 0.00012 and 0.00013; gnomAD exomes 0.00013 and 0.00026; ESP Exome Variant Server 0.00015; TOPMed 0.00015; ExAC 0.00017.
gnomAD v4.1: 212 of 1,613,422 alleles (0.013%); highest among the groups gnomAD compares: Middle Eastern, 0.016%; no homozygotes.

Submissions (6):

Labcorp Genetics (formerly Invitae), Labcorp
Classification: Benign for Familial adenomatous polyposis 1. Last evaluated: 2026-02-03. Review status: criteria provided, single submitter. Criteria: Invitae Variant Classification Sherloc (09022015). Collection method: clinical testing. Allele origin: germline.

Blueprint Genetics
Classification: Likely benign. Last evaluated: 2024-10-21. Review status: criteria provided, single submitter. Criteria: ACMG Guidelines, 2015. Collection method: clinical testing. Allele origin: germline.

ARUP Laboratories, Molecular Genetics and Genomics, ARUP Laboratories
Classification: Likely benign. Last evaluated: 2021-08-06. Review status: criteria provided, single submitter. Criteria: ARUP Molecular Germline Variant Investigation Process 2021. Collection method: clinical testing. Allele origin: germline.

Color Diagnostics, LLC DBA Color Health
Classification: Likely benign for Hereditary cancer-predisposing syndrome. Last evaluated: 2016-10-05. Review status: criteria provided, single submitter. Criteria: ACMG Guidelines, 2015. Collection method: clinical testing. Allele origin: germline.

GeneDx
Classification: Benign. Last evaluated: 2014-03-10. Review status: criteria provided, single submitter. Criteria: GeneDx Variant Classification (06012015). Collection method: clinical testing. Allele origin: germline. Affected: yes.
Comment: This variant is considered likely benign or benign based on one or more of the following criteria: it is a conservative change, it occurs at a poorly conserved position in the protein, it is predicted to be benign by multiple in silico algorithms, and/or has population frequency not consistent with disease.

Counsyl
Classification: Likely benign for Familial adenomatous polyposis 1. Last evaluated: 2016-09-12. Review status: no assertion criteria provided. Collection method: clinical testing. Allele origin: unknown. Not counted in ClinVar's aggregate classification.

Literature cited by the submitters: PubMed 23159591 (cited by Counsyl).

NM_000038.6(APC):c.1548+17T>C

Gene: APC (APC regulator of Wnt signaling pathway; plus strand). Cytogenetic location: 5q22.2.
Variant type: single nucleotide variant.
Coding change: c.1548+17T>C on transcript NM_000038.6 (MANE Select); 17 bases into the intron after coding-DNA position 1548, T replaced by C.
Molecular consequence: intron variant.
Genome position (GRCh38, 1-based): chr5:112,827,264, T>C. VCF-style: chr5-112827264-T-C. GRCh37 (hg19) VCF-style: chr5-112162961-T-C.
Other names: c.1548+17T>C (NM_001354895.2, NM_001127510.3); c.1578+17T>C (NM_001354897.2); c.1275+17T>C (NM_001354902.2); c.1494+17T>C (NM_001127511.3); c.1473+17T>C (NM_001354898.2); c.1170+17T>C (NM_001354904.2); c.699+17T>C (NM_001354906.2); c.1602+17T>C (NM_001354896.2); and 5 more.
Identifiers: ClinVar variation 136406 (VCV000136406.21), dbSNP rs367690523, ClinGen allele CA005268.
Genomic context (GRCh38, chr5:112,827,264, plus strand): 5'-GAATGGCTTTGACAAACTTGACTTTTGGAGATGTAGCCAACAAGGTATGTTTTTATAACA[T>C]GTATTTCTTAAGATAGCTCAGGTATGAGTTAATTTACTTTCATACAAATACATTTTACTG-3'